The following is an entry in ClinVar:

ClinVar aggregate classification (germline): Uncertain significance (1 of 4 stars; one submission).

Submission:

Ambry Genetics
Classification: Uncertain significance. Last evaluated: 2025-05-02. Review status: criteria provided, single submitter. Criteria: Ambry Variant Classification Scheme 2023. Collection method: clinical testing. Allele origin: germline.
Comment: The p.K590N variant (also known as c.1770G>C), located in coding exon 18 of the SRP72 gene, results from a G to C substitution at nucleotide position 1770. The lysine at codon 590 is replaced by asparagine, an amino acid with similar properties. This amino acid position is conserved. In addition, the in silico prediction for this alteration is inconclusive. Based on the available evidence, the clinical significance of this variant remains unclear.

NM_006947.4(SRP72):c.1770G>C (p.Lys590Asn)

Gene: SRP72 (signal recognition particle 72; plus strand). Cytogenetic location: 4q12.
Variant type: single nucleotide variant.
Coding change: c.1770G>C on transcript NM_006947.4 (MANE Select); coding-DNA position 1770, G replaced by C.
Protein change: p.Lys590Asn; replaces lysine 590 with asparagine.
Molecular consequence: missense variant. On other transcripts: non-coding transcript variant (1).
Genome position (GRCh38, 1-based): chr4:56,500,627, G>C. VCF-style: chr4-56500627-G-C. GRCh37 (hg19) VCF-style: chr4-57366793-G-C.
Other names: c.1587G>C, p.Lys529Asn (NM_001267722.2); short protein forms K529N, K590N.
Identifiers: ClinVar variation 3962090 (VCV003962090.1).
Genomic context (GRCh38, chr4:56,500,627, plus strand): 5'-TACCCCAGATCCAGAAAGATGGCTGCCAATGCGAGAACGTTCTTACTACCGGGGAAGAAA[G>C]AAGGGTAAAAAGAAGGATCAGATTGGAAAAGGGACCCAGGGAGCAACTGCAGGAGCTTCA-3'
Protein context (NP_008878.3, residues 580-600): MRERSYYRGR[Lys590Asn]KGKKKDQIGK